The following is an entry in ClinVar:

ClinVar aggregate classification (germline): Uncertain significance. Review status: criteria provided, multiple submitters, no conflicts (2 of 4 stars). 2 submissions from 2 submitters: Uncertain significance (2). Last evaluated 2023-05-05.

Conditions:
Juvenile polyposis syndrome (JPS). Identifiers: Orphanet 2929, MedGen C0345893, MONDO:0017380, OMIM 174900.

Submissions (2):

Labcorp Genetics (formerly Invitae), Labcorp
Classification: Uncertain significance for Juvenile polyposis syndrome. Last evaluated: 2023-05-05. Review status: criteria provided, single submitter. Criteria: Invitae Variant Classification Sherloc (09022015). Collection method: clinical testing. Allele origin: germline.
Comment: ClinVar contains an entry for this variant (Variation ID: 1319117). Advanced modeling of protein sequence and biophysical properties (such as structural, functional, and spatial information, amino acid conservation, physicochemical variation, residue mobility, and thermodynamic stability) performed at Invitae indicates that this missense variant is not expected to disrupt BMPR1A protein function. In summary, the available evidence is currently insufficient to determine the role of this variant in disease. Therefore, it has been classified as a Variant of Uncertain Significance. This variant is not present in population databases (gnomAD no frequency). This sequence change replaces valine, which is neutral and non-polar, with alanine, which is neutral and non-polar, at codon 21 of the BMPR1A protein (p.Val21Ala). This variant has not been reported in the literature in individuals affected with BMPR1A-related conditions.

Institute for Clinical Genetics, University Hospital TU Dresden, University Hospital TU Dresden
Classification: Uncertain significance. Last evaluated: 2021-11-03. Review status: criteria provided, single submitter. Criteria: ACMG Guidelines, 2015. Collection method: clinical testing. Allele origin: germline.

NM_004329.3(BMPR1A):c.62T>C (p.Val21Ala)

Gene: BMPR1A (bone morphogenetic protein receptor type 1A; plus strand). Cytogenetic location: 10q23.2.
Variant type: single nucleotide variant.
Coding change: c.62T>C on transcript NM_004329.3 (MANE Select); coding-DNA position 62, T replaced by C.
Protein change: p.Val21Ala; replaces valine 21 with alanine.
Molecular consequence: missense variant.
Genome position (GRCh38, 1-based): chr10:86,876,080, T>C. VCF-style: chr10-86876080-T-C. GRCh37 (hg19) VCF-style: chr10-88635837-T-C.
Other names: short protein forms V21A.
Identifiers: ClinVar variation 1319117 (VCV001319117.6), dbSNP rs2133321901, ClinGen allele CA377774867.